The following is an entry in ClinVar:

NM_052867.4(NALCN):c.2154C>A (p.Asn718Lys)

Gene: NALCN (sodium leak channel, non-selective; minus strand). Cytogenetic location: 13q33.1.
Variant type: single nucleotide variant.
Coding change: c.2154C>A on transcript NM_052867.4 (MANE Select); coding-DNA position 2154, C replaced by A.
Protein change: p.Asn718Lys; replaces asparagine 718 with lysine.
Molecular consequence: missense variant.
Genome position (GRCh38, 1-based): chr13:101,124,646, G>T on the plus strand (C>A on the coding strand, the complement: NALCN is on the minus strand). VCF-style: chr13-101124646-G-T. GRCh37 (hg19) VCF-style: chr13-101776997-G-T.
Other names: c.2154C>A, p.Asn718Lys (NM_001350748.2, NM_001350749.2); c.2067C>A, p.Asn689Lys (NM_001350750.2, NM_001350751.2); short protein forms N689K, N718K.
Identifiers: ClinVar variation 1691209 (VCV001691209.3), dbSNP rs2139700215, ClinGen allele CA388671206.

ClinVar aggregate classification (germline): Uncertain significance (1 of 4 stars; one submission).

gnomAD v4.1: 3 of 1,613,994 alleles (0.00019%); highest among the groups gnomAD compares: Non-Finnish European, 0.00025%; no homozygotes.

Submission:

GeneDx
Classification: Uncertain significance. Last evaluated: 2025-07-11. Review status: criteria provided, single submitter. Criteria: GeneDx Variant Classification Process June 2021. Collection method: clinical testing. Allele origin: germline. Affected: yes.
Comment: Not observed at significant frequency in large population cohorts (gnomAD); In silico analysis suggests that this missense variant does not alter protein structure/function; Has not been previously published as pathogenic or benign to our knowledge